The following is an entry in ClinVar:

ClinVar aggregate classification (germline): Uncertain significance (1 of 4 stars; one submission).

Conditions:
Inborn genetic diseases. Identifiers: MedGen C0950123, MeSH D030342.

Submission:

Ambry Genetics
Classification: Uncertain significance for Inborn genetic diseases. Last evaluated: 2025-04-06. Review status: criteria provided, single submitter. Criteria: Ambry Variant Classification Scheme 2023. Collection method: clinical testing. Allele origin: germline.
Comment: The p.S803C variant (also known as c.2407A>T), located in coding exon 8 of the MECOM gene, results from an A to T substitution at nucleotide position 2407. The serine at codon 803 is replaced by cysteine, an amino acid with dissimilar properties. This amino acid position is conserved. In addition, this alteration is predicted to be tolerated by in silico analysis. Based on the available evidence, the clinical significance of this variant remains unclear.

NM_004991.4(MECOM):c.2407A>T (p.Ser803Cys)

Gene: MECOM (MDS1 and EVI1 complex locus; minus strand). Cytogenetic location: 3q26.2.
Variant type: single nucleotide variant.
Coding change: c.2407A>T on transcript NM_004991.4 (MANE Select); coding-DNA position 2407, A replaced by T.
Protein change: p.Ser803Cys; replaces serine 803 with cysteine.
Molecular consequence: missense variant.
Genome position (GRCh38, 1-based): chr3:169,115,465, T>A on the plus strand (A>T on the coding strand, the complement: MECOM is on the minus strand). VCF-style: chr3-169115465-T-A. GRCh37 (hg19) VCF-style: chr3-168833253-T-A.
Other names: c.2038A>T, p.Ser680Cys (NM_001105077.4); c.1843A>T, p.Ser615Cys (NM_001105078.4, NM_001164000.2, NM_001205194.2 and 4 more transcripts); c.1846A>T, p.Ser616Cys (NM_001163999.2, NM_001366467.2, NM_001366468.2 and 1 more transcripts); c.2407A>T, p.Ser803Cys (NM_001366466.2); c.1435A>T, p.Ser479Cys (NM_001366473.2); c.871A>T, p.Ser291Cys (NM_001366474.2); short protein forms S616C, S680C, S479C, S803C, S615C, S291C.
Identifiers: ClinVar variation 4053152 (VCV004053152.1).